The following is an entry in ClinVar:

ClinVar aggregate classification (germline): Uncertain significance (1 of 4 stars; one submission).

Conditions:
Inborn genetic diseases. Identifiers: MedGen C0950123, MeSH D030342.

gnomAD v4.1: 5 of 1,612,932 alleles (0.00031%); highest among the groups gnomAD compares: South Asian, 0.0044%; no homozygotes.

Submission:

Ambry Genetics
Classification: Uncertain significance for Inborn genetic diseases. Last evaluated: 2025-04-28. Review status: criteria provided, single submitter. Criteria: Ambry Variant Classification Scheme 2023. Collection method: clinical testing. Allele origin: germline.
Comment: The p.M545V variant (also known as c.1633A>G), located in coding exon 11 of the ERCC6L2 gene, results from an A to G substitution at nucleotide position 1633. The methionine at codon 545 is replaced by valine, an amino acid with highly similar properties. This amino acid position is conserved. In addition, this alteration is predicted to be tolerated by in silico analysis. Based on the available evidence, the clinical significance of this variant remains unclear.

NM_020207.7(ERCC6L2):c.1633A>G (p.Met545Val)

Gene: ERCC6L2 (ERCC excision repair 6 like 2; plus strand). Cytogenetic location: 9q22.32.
Variant type: single nucleotide variant.
Coding change: c.1633A>G on transcript NM_020207.7 (MANE Select); coding-DNA position 1633, A replaced by G.
Protein change: p.Met545Val; replaces methionine 545 with valine.
Molecular consequence: missense variant. On other transcripts: non-coding transcript variant (1).
Genome position (GRCh38, 1-based): chr9:95,928,746, A>G. VCF-style: chr9-95928746-A-G. GRCh37 (hg19) VCF-style: chr9-98691028-A-G.
Other names: c.1633A>G, p.Met545Val (NM_001010895.4, NM_001375291.1, NM_001375292.1 and 2 more transcripts); short protein forms M545V.
Identifiers: ClinVar variation 4019333 (VCV004019333.1).
Genomic context (GRCh38, chr9:95,928,746, plus strand): 5'-TCATGTTTGCCCATCTTCATACCTCTCGTCTAGTTGCTTGACGTGCTACAGCAGTACTGT[A>G]TGGCGTCTGGGCTTGATTACCGACGACTTGATGGAAGTACAAAATCAGAGGAAAGACTCA-3'
Protein context (NP_064592.3, residues 535-555): KLLDVLQQYC[Met545Val]ASGLDYRRLD